The following is an entry in ClinVar:

ClinVar aggregate classification (germline): Uncertain significance. Review status: criteria provided, multiple submitters, no conflicts (2 of 4 stars). 3 submissions from 3 submitters: Uncertain significance (3). Last evaluated 2024-03-19.

Conditions:
RIN2 syndrome. Also called: TALL FOREHEAD, SPARSE HAIR, SKIN HYPEREXTENSIBILITY, AND SCOLIOSIS; MACS SYNDROME. Identifiers: Orphanet 217335, MedGen C2751321, MONDO:0013115, OMIM 613075.
Inborn genetic diseases. Identifiers: MedGen C0950123, MeSH D030342.

Allele frequency attached by ClinVar (database versions not stated): gnomAD 0.00011 and 0.00012; gnomAD exomes 0.00011 and 0.00012; TOPMed 0.00014; ExAC 0.00019; 1000 Genomes Project 0.00040; 1000 Genomes Project 30x 0.00047.
gnomAD v4.1: 189 of 1,613,922 alleles (0.012%); highest among the groups gnomAD compares: Admixed American, 0.038%; no homozygotes.

Submissions (3):

Fulgent Genetics
Classification: Uncertain significance for RIN2 syndrome. Last evaluated: 2024-03-19. Review status: criteria provided, single submitter. Criteria: ACMG Guidelines, 2015. Collection method: clinical testing. Allele origin: germline.

Ambry Genetics
Classification: Uncertain significance for Inborn genetic diseases. Last evaluated: 2023-11-14. Review status: criteria provided, single submitter. Criteria: Ambry Variant Classification Scheme 2023. Collection method: clinical testing. Allele origin: germline.

Labcorp Genetics (formerly Invitae), Labcorp
Classification: Uncertain significance. Last evaluated: 2022-08-12. Review status: criteria provided, single submitter. Criteria: Invitae Variant Classification Sherloc (09022015). Collection method: clinical testing. Allele origin: germline.
Comment: This sequence change replaces valine, which is neutral and non-polar, with isoleucine, which is neutral and non-polar, at codon 840 of the RIN2 protein (p.Val840Ile). This variant is present in population databases (rs188424417, gnomAD 0.04%). This variant has not been reported in the literature in individuals affected with RIN2-related conditions. ClinVar contains an entry for this variant (Variation ID: 1348826). Algorithms developed to predict the effect of missense changes on protein structure and function output the following: SIFT: "Tolerated"; PolyPhen-2: "Not Available"; Align-GVGD: "Class C0". The isoleucine amino acid residue is found in multiple mammalian species, which suggests that this missense change does not adversely affect protein function. In summary, the available evidence is currently insufficient to determine the role of this variant in disease. Therefore, it has been classified as a Variant of Uncertain Significance.

NM_018993.4(RIN2):c.2518G>A (p.Val840Ile)

Gene: RIN2 (Ras and Rab interactor 2; plus strand). Cytogenetic location: 20p11.23.
Variant type: single nucleotide variant.
Coding change: c.2518G>A on transcript NM_018993.4 (MANE Select); coding-DNA position 2518, G replaced by A.
Protein change: p.Val840Ile; replaces valine 840 with isoleucine.
Molecular consequence: missense variant.
Genome position (GRCh38, 1-based): chr20:20,000,766, G>A. VCF-style: chr20-20000766-G-A. GRCh37 (hg19) VCF-style: chr20-19981410-G-A.
Other names: c.2665G>A, p.Val889Ile (NM_001242581.2); c.1900G>A, p.Val634Ile (NM_001378238.1); c.2518G>A (NM_018993.3); short protein forms V634I, V840I, V889I.
Identifiers: ClinVar variation 1348826 (VCV001348826.5), dbSNP rs188424417, ClinGen allele CA9780318.